The following is an entry in ClinVar:

NC_000002.12:g.43996149G>A

Gene: LRPPRC (leucine rich pentatricopeptide repeat containing; minus strand). Cytogenetic location: 2p21.
Variant type: single nucleotide variant.
Genome position: GRCh38 VCF-style: chr2-43996149-G-A. GRCh37 (hg19) VCF-style: chr2-44223288-G-A.
Identifiers: ClinVar variation 2582978 (VCV002582978.25), dbSNP rs889393218, ClinGen allele CA46458787.

ClinVar aggregate classification (germline): Uncertain significance (1 of 4 stars; one submission).

gnomAD v4.1: 9 of 542,668 alleles (0.0017%); highest among the groups gnomAD compares: African/African-American, 0.004%; no homozygotes.

Submission:

CeGaT Center for Human Genetics Tuebingen
Classification: Uncertain significance. Last evaluated: 2023-09-01. Review status: criteria provided, single submitter. Criteria: CeGaT Center For Human Genetics Tuebingen Variant Classification Criteria Version 2. Collection method: clinical testing. Allele origin: germline. Affected: yes. Observed: 1 variant allele.
Comment: LRPPRC: PM2